The following is an entry in ClinVar:

NM_001252024.2(TRPM1):c.1247T>C (p.Phe416Ser)

Gene: TRPM1 (transient receptor potential cation channel subfamily M member 1; minus strand). Cytogenetic location: 15q13.3.
Variant type: single nucleotide variant.
Coding change: c.1247T>C on transcript NM_001252024.2 (MANE Select); coding-DNA position 1247, T replaced by C.
Protein change: p.Phe416Ser; replaces phenylalanine 416 with serine.
Molecular consequence: missense variant.
Genome position (GRCh38, 1-based): chr15:31,060,560, A>G on the plus strand (T>C on the coding strand, the complement: TRPM1 is on the minus strand). VCF-style: chr15-31060560-A-G. GRCh37 (hg19) VCF-style: chr15-31352763-A-G.
Other names: c.1298T>C, p.Phe433Ser (NM_001252020.2); c.1181T>C, p.Phe394Ser (NM_002420.6); short protein forms F394S, F416S, F433S.
Identifiers: ClinVar variation 1058287 (VCV001058287.9), dbSNP rs1057502041, ClinGen allele CA267493684.

ClinVar aggregate classification (germline): Uncertain significance (1 of 4 stars; one submission).

Allele frequency attached by ClinVar (database versions not stated): gnomAD exomes below 0.00001; TOPMed 0.00001.
gnomAD v4.1: 3 of 1,614,232 alleles (0.00019%); highest among the groups gnomAD compares: Non-Finnish European, 0.00025%; no homozygotes.

Submission:

Labcorp Genetics (formerly Invitae), Labcorp
Classification: Uncertain significance. Last evaluated: 2020-03-10. Review status: criteria provided, single submitter. Criteria: Invitae Variant Classification Sherloc (09022015). Collection method: clinical testing. Allele origin: germline.
Comment: This variant is not present in population databases (ExAC no frequency). This sequence change replaces phenylalanine with serine at codon 394 of the TRPM1 protein (p.Phe394Ser). The phenylalanine residue is highly conserved and there is a large physicochemical difference between phenylalanine and serine. This variant has not been reported in the literature in individuals with TRPM1-related conditions. Algorithms developed to predict the effect of missense changes on protein structure and function (SIFT, PolyPhen-2, Align-GVGD) all suggest that this variant is likely to be disruptive, but these predictions have not been confirmed by published functional studies and their clinical significance is uncertain. In summary, the available evidence is currently insufficient to determine the role of this variant in disease. Therefore, it has been classified as a Variant of Uncertain Significance.